The following is an entry in ClinVar:

NM_014974.3(DIP2C):c.256C>T (p.Arg86Cys)

Gene: DIP2C (DIP2 acetate--CoA ligase C (putative); minus strand). Cytogenetic location: 10p15.3.
Variant type: single nucleotide variant.
Coding change: c.256C>T on transcript NM_014974.3 (MANE Select); coding-DNA position 256, C replaced by T.
Protein change: p.Arg86Cys; replaces arginine 86 with cysteine.
Molecular consequence: missense variant.
Genome position (GRCh38, 1-based): chr10:472,451, G>A on the plus strand (C>T on the coding strand, the complement: DIP2C is on the minus strand). VCF-style: chr10-472451-G-A. GRCh37 (hg19) VCF-style: chr10-518391-G-A.
Other names: short protein forms R86C.
Identifiers: ClinVar variation 2787857 (VCV002787857.3), dbSNP rs752330510, ClinGen allele CA5381416.

ClinVar aggregate classification (germline): Uncertain significance (1 of 4 stars; one submission).

Allele frequency attached by ClinVar (database versions not stated): gnomAD exomes below 0.00001; ExAC 0.00001.

Submission:

Labcorp Genetics (formerly Invitae), Labcorp
Classification: Uncertain significance. Last evaluated: 2023-12-07. Review status: criteria provided, single submitter. Criteria: Invitae Variant Classification Sherloc (09022015). Collection method: clinical testing. Allele origin: germline.
Comment: This sequence change replaces arginine, which is basic and polar, with cysteine, which is neutral and slightly polar, at codon 86 of the DIP2C protein (p.Arg86Cys). This variant is present in population databases (rs752330510, gnomAD 0.003%). This variant has not been reported in the literature in individuals affected with DIP2C-related conditions. An algorithm developed to predict the effect of missense changes on protein structure and function (PolyPhen-2) suggests that this variant is likely to be disruptive. In summary, the available evidence is currently insufficient to determine the role of this variant in disease. Therefore, it has been classified as a Variant of Uncertain Significance.